The following is an entry in ClinVar:

ClinVar aggregate classification (germline): Uncertain significance. Review status: criteria provided, multiple submitters, no conflicts (2 of 4 stars). 2 submissions from 2 submitters: Uncertain significance (2). Last evaluated 2025-05-27.

Conditions:
Dystonia 12 (DYT12). Also called: Rapid-Onset Dystonia-Parkinsonism (RDP); DYT-ATP1A3. Identifiers: Orphanet 71517, MedGen C1868681, MONDO:0007496, OMIM 128235.

Allele frequency attached by ClinVar (database versions not stated): gnomAD exomes 0.00001 and 0.00002; ExAC 0.00002; TOPMed 0.00002.
gnomAD v4.1: 12 of 1,614,228 alleles (0.00074%); highest among the groups gnomAD compares: South Asian, 0.0066%; no homozygotes.

Submissions (2):

Revvity Omics, Revvity
Classification: Uncertain significance. Last evaluated: 2025-05-27. Review status: criteria provided, single submitter. Criteria: ACMG Guidelines, 2015. Collection method: clinical testing. Allele origin: germline.

Labcorp Genetics (formerly Invitae), Labcorp
Classification: Uncertain significance for Dystonia 12. Last evaluated: 2022-07-26. Review status: criteria provided, single submitter. Criteria: Invitae Variant Classification Sherloc (09022015). Collection method: clinical testing. Allele origin: germline.
Comment: In summary, the available evidence is currently insufficient to determine the role of this variant in disease. Therefore, it has been classified as a Variant of Uncertain Significance. Advanced modeling of protein sequence and biophysical properties (such as structural, functional, and spatial information, amino acid conservation, physicochemical variation, residue mobility, and thermodynamic stability) performed at Invitae indicates that this missense variant is not expected to disrupt ATP1A3 protein function. ClinVar contains an entry for this variant (Variation ID: 1504083). This variant has not been reported in the literature in individuals affected with ATP1A3-related conditions. This variant is present in population databases (rs782674903, gnomAD 0.01%). This sequence change replaces threonine, which is neutral and polar, with methionine, which is neutral and non-polar, at codon 831 of the ATP1A3 protein (p.Thr831Met).

NM_152296.5(ATP1A3):c.2492C>T (p.Thr831Met)

Gene: ATP1A3 (ATPase Na+/K+ transporting subunit alpha 3; minus strand). Cytogenetic location: 19q13.2.
Variant type: single nucleotide variant.
Coding change: c.2492C>T on transcript NM_152296.5 (MANE Select); coding-DNA position 2492, C replaced by T.
Protein change: p.Thr831Met; replaces threonine 831 with methionine.
Molecular consequence: missense variant.
Genome position (GRCh38, 1-based): chr19:41,970,235, G>A on the plus strand (C>T on the coding strand, the complement: ATP1A3 is on the minus strand). VCF-style: chr19-41970235-G-A. GRCh37 (hg19) VCF-style: chr19-42474387-G-A.
Other names: c.2525C>T, p.Thr842Met (NM_001256213.2); c.2531C>T, p.Thr844Met (NM_001256214.2); short protein forms T842M, T844M, T831M.
Identifiers: ClinVar variation 1504083 (VCV001504083.7), dbSNP rs782674903, ClinGen allele CA9467371.
Genomic context (GRCh38, chr19:41,970,235, plus strand): 5'-GGTGCCTCACCAATCTGCCCGTAGGCCATGCTGATGAGTCTCTCATTGACCAATTTGTCC[G>A]TCCGCGGGTTCCTGGGCTGTCTCTTCATGATGTCGCTTTCGGCAGCCTCGTACGCCAGTG-3'
Protein context (NP_689509.1, residues 821-841): IMKRQPRNPR[Thr831Met]DKLVNERLIS